The following is an entry in ClinVar:

NM_002474.3(MYH11):c.2328C>G (p.Ala776=)

Gene: MYH11 (myosin heavy chain 11; minus strand). Cytogenetic location: 16p13.11.
Variant type: single nucleotide variant.
Coding change: c.2328C>G on transcript NM_002474.3 (MANE Select); coding-DNA position 2328, C replaced by G.
Protein change: p.Ala776=; no amino-acid change (alanine 776 retained).
Molecular consequence: synonymous variant.
Genome position (GRCh38, 1-based): chr16:15,747,653, G>C on the plus strand (C>G on the coding strand, the complement: MYH11 is on the minus strand). VCF-style: chr16-15747653-G-C. GRCh37 (hg19) VCF-style: chr16-15841510-G-C.
Other names: c.2349C>G, p.Ala783= (NM_001040113.2, NM_001040114.2); c.2328C>G, p.Ala776= (NM_022844.3).
Identifiers: ClinVar variation 3074724 (VCV003074724.1), dbSNP rs2506265877, ClinGen allele CA493792134.

ClinVar aggregate classification (germline): Likely benign (1 of 4 stars; one submission).

Conditions:
Familial thoracic aortic aneurysm and aortic dissection (TAAD). Also called: Thoracic aortic aneurysms and dissections. Identifiers: Orphanet 91387, MedGen C4707243, MONDO:0019625.

Submission:

All of Us Research Program, National Institutes of Health
Classification: Likely benign for Familial thoracic aortic aneurysm and aortic dissection. Last evaluated: 2023-12-13. Review status: criteria provided, single submitter. Criteria: ACMG Guidelines, 2015. Collection method: clinical testing. Allele origin: germline. Inheritance: Autosomal dominant inheritance. Observed: 1 variant allele, 1 heterozygote.
Comment: This study involves interpretation of variants in research participants for the purpose of population health screening. Participant phenotype was not available at the time of variant classification. Additional details can be found in publication PMID: 35346344, PMCID: PMC8962531